The following is an entry in ClinVar:

ClinVar aggregate classification (germline): Likely pathogenic (1 of 4 stars; one submission).

Conditions:
Birt-Hogg-Dube syndrome. Also called: Birt Hogg Dubé syndrome. Identifiers: Orphanet 122, MedGen C0346010, MONDO:0800444.

Submission:

Laboratory for Molecular Medicine, Mass General Brigham Personalized Medicine
Classification: Likely pathogenic for Birt-Hogg-Dube syndrome 1. Last evaluated: 2016-04-29. Review status: criteria provided, single submitter. Criteria: LMM Criteria. Collection method: clinical testing. Allele origin: germline. Inheritance: Autosomal dominant inheritance. Observed: 2 variant alleles.
Comment: It was absent from large population studies. This variant is predicted to cause a frameshift, which alters the protein?s amin o acid sequence beginning at position 149 and leads to a premature termination c odon 28 amino acids downstream. This alteration is then predicted to lead to a t runcated or absent protein. Frameshift and other truncating variants in FLCN ha ve been associated with Birt-Hogg-Dube syndrome and recurrent spontaneous pneumo thoraces (Nickerson 2002). In summary, although additional studies are required to fully establish its clinical significance, the p.Gly149fs variant is likely p athogenic.

Literature cited by the submitters: PubMed 12204536.

NM_144997.7(FLCN):c.446del (p.Gly149fs)

Gene: FLCN (folliculin; minus strand). Cytogenetic location: 17p11.2.
Variant type: Deletion.
Coding change: c.446del on transcript NM_144997.7 (MANE Select); coding-DNA position 446, one base deleted (G; older notation c.446delG).
Protein change: p.Gly149fs; shifts the reading frame from glycine 149.
Molecular consequence: frameshift variant.
Genome position (GRCh38, 1-based): chr17:17,224,094, C deleted on the plus strand (G on the coding strand, the reverse complement: FLCN is on the minus strand); the first of 2 consecutive C bases (chr17:17,224,094-17,224,095); deleting either gives the same sequence. VCF-style (leftmost placement, unchanged base first): chr17-17224093-GC-G. GRCh37 (hg19) VCF-style: chr17-17127407-GC-G.
Other names: c.446del (LRG_325t1); c.500del, p.Gly167fs (NM_001353229.2); c.446del, p.Gly149fs (NM_001353230.2, NM_001353231.2, NM_144606.7); short protein forms G149fs, G167fs.
Identifiers: ClinVar variation 179123 (VCV000179123.4), dbSNP rs727504645, ClinGen allele CA273584.
Genomic context (GRCh38, chr17:17,224,093, plus strand): 5'-CCAGCGCTGGAAGCCCCTGGCCAGGCTGTCCTTGATGAAGAAGGTGTGGCTGAACACAAA[GC>G]CGTGCTGCTCATCTCCGAAGAAGATGGGGCCTTCACGGCCAGGGCAGACCTGGAGGGACA-3'